The following is an entry in ClinVar:

NM_003072.5(SMARCA4):c.4792A>C (p.Lys1598Gln)

Gene: SMARCA4 (SWI/SNF related BAF chromatin remodeling complex subunit ATPase 4; plus strand). Cytogenetic location: 19p13.2.
Variant type: single nucleotide variant.
Coding change: c.4792A>C on transcript NM_003072.5 (MANE Select); coding-DNA position 4792, A replaced by C.
Protein change: p.Lys1598Gln; replaces lysine 1598 with glutamine.
Molecular consequence: missense variant. On other transcripts: non-coding transcript variant (1).
Genome position (GRCh38, 1-based): chr19:11,060,068, A>C. VCF-style: chr19-11060068-A-C. GRCh37 (hg19) VCF-style: chr19-11170744-A-C.
Other names: c.4888A>C (NM_001128849.1); c.4792A>C, p.Lys1598Gln (NM_001128844.3); c.4702A>C, p.Lys1568Gln (NM_001128845.2); c.4699A>C, p.Lys1567Gln (NM_001128846.2); c.4693A>C, p.Lys1565Gln (NM_001128847.4, NM_001374457.1); c.4690A>C, p.Lys1564Gln (NM_001128848.2); c.4888A>C, p.Lys1630Gln (NM_001128849.3); short protein forms K1564Q, K1565Q, K1567Q, K1568Q, K1598Q, K1630Q.
Identifiers: ClinVar variation 1021905 (VCV001021905.9), dbSNP rs2076773793, ClinGen allele CA404080350.
Genomic context (GRCh38, chr19:11,060,068, plus strand): 5'-GAGCTCAAGGCTGTCTTTCCCTCCCGGTCCCCTCCAGCTCGGTCCGTCAAAGTGAAGATC[A>C]AGCTTGGCCGGAAGGAGAAGGCACAGGACCGGCTGAAGGGCGGCCGGCGGCGGCCGAGCC-3'
Protein context (NP_003063.2, residues 1588-1608): SESRSVKVKI[Lys1598Gln]LGRKEKAQDR

ClinVar aggregate classification (germline): Uncertain significance. Review status: criteria provided, multiple submitters, no conflicts (2 of 4 stars). 2 submissions from 2 submitters: Uncertain significance (2). Last evaluated 2026-04-08.

Conditions:
Hereditary cancer-predisposing syndrome. Also called: Hereditary neoplastic syndrome; Neoplastic Syndromes, Hereditary; Tumor predisposition; Hereditary Cancer Syndrome. Identifiers: Orphanet 140162, MedGen C0027672, MeSH D009386, MONDO:0015356.
Rhabdoid tumor predisposition syndrome 2 (RTPS2). Identifiers: Orphanet 231108, Orphanet 69077, MedGen C2750074, MONDO:0013224, OMIM 613325.

Submissions (2):

Ambry Genetics
Classification: Uncertain significance for Hereditary cancer-predisposing syndrome. Last evaluated: 2026-04-08. Review status: criteria provided, single submitter. Criteria: Ambry Variant Classification Scheme 2023. Collection method: clinical testing. Allele origin: germline.
Comment: The p.K1630Q variant (also known as c.4888A>C), located in coding exon 34 of the SMARCA4 gene, results from an A to C substitution at nucleotide position 4888. The lysine at codon 1630 is replaced by glutamine, an amino acid with similar properties. This amino acid position is conserved. In addition, the in silico prediction for this alteration is inconclusive. Based on the available evidence, the clinical significance of this variant remains unclear.

Labcorp Genetics (formerly Invitae), Labcorp
Classification: Uncertain significance for Rhabdoid tumor predisposition syndrome 2. Last evaluated: 2022-10-20. Review status: criteria provided, single submitter. Criteria: Invitae Variant Classification Sherloc (09022015). Collection method: clinical testing. Allele origin: germline.
Comment: This variant has not been reported in the literature in individuals affected with SMARCA4-related conditions. In summary, the available evidence is currently insufficient to determine the role of this variant in disease. Therefore, it has been classified as a Variant of Uncertain Significance. Advanced modeling of protein sequence and biophysical properties (such as structural, functional, and spatial information, amino acid conservation, physicochemical variation, residue mobility, and thermodynamic stability) has been performed at Invitae for this missense variant, however the output from this modeling did not meet the statistical confidence thresholds required to predict the impact of this variant on SMARCA4 protein function. ClinVar contains an entry for this variant (Variation ID: 1021905). This variant is not present in population databases (gnomAD no frequency). This sequence change replaces lysine, which is basic and polar, with glutamine, which is neutral and polar, at codon 1630 of the SMARCA4 protein (p.Lys1630Gln).